The following is an entry in ClinVar:

NM_017841.4(SDHAF2):c.174A>C (p.Arg58Ser)

Gene: SDHAF2 (succinate dehydrogenase complex assembly factor 2; plus strand). Cytogenetic location: 11q12.2.
Variant type: single nucleotide variant.
Coding change: c.174A>C on transcript NM_017841.4 (MANE Select); coding-DNA position 174, A replaced by C.
Protein change: p.Arg58Ser; replaces arginine 58 with serine.
Molecular consequence: missense variant.
Genome position (GRCh38, 1-based): chr11:61,437,762, A>C. VCF-style: chr11-61437762-A-C. GRCh37 (hg19) VCF-style: chr11-61205234-A-C.
Other names: short protein forms R58S.
Identifiers: ClinVar variation 3717858 (VCV003717858.2).

ClinVar aggregate classification (germline): Uncertain significance (1 of 4 stars; one submission).

Conditions:
Hereditary pheochromocytoma and paraganglioma. Also called: Hereditary paragangliomas and pheochromocytomas; Hereditary Paraganglioma-Pheochromocytoma Syndromes; Hereditary pheochromocytoma-paraganglioma. Identifiers: Orphanet 29072, MedGen C4274332, MONDO:0017366.

Submission:

Labcorp Genetics (formerly Invitae), Labcorp
Classification: Uncertain significance for Hereditary pheochromocytoma and paraganglioma. Last evaluated: 2024-09-18. Review status: criteria provided, single submitter. Criteria: Invitae Variant Classification Sherloc (09022015). Collection method: clinical testing. Allele origin: germline.
Comment: This sequence change replaces arginine, which is basic and polar, with serine, which is neutral and polar, at codon 58 of the SDHAF2 protein (p.Arg58Ser). This variant is not present in population databases (gnomAD no frequency). This variant has not been reported in the literature in individuals affected with SDHAF2-related conditions. An algorithm developed to predict the effect of missense changes on protein structure and function (PolyPhen-2) suggests that this variant is likely to be disruptive. In summary, the available evidence is currently insufficient to determine the role of this variant in disease. Therefore, it has been classified as a Variant of Uncertain Significance.